The following is an entry in ClinVar:

ClinVar aggregate classification (germline): Conflicting classifications of pathogenicity. Review status: criteria provided, conflicting classifications (1 of 4 stars). 6 submissions from 6 submitters: Uncertain significance (5); Likely benign (1). Last evaluated 2026-01-24.

Conditions:
Dystonia 27 (DYT27). Identifiers: Orphanet 464440, MedGen C4225336, MONDO:0014627, OMIM 616411.
Ullrich congenital muscular dystrophy 1A. Also called: Ullrich congenital muscular dystrophy 1; Intermediate COL6-RD. Identifiers: Orphanet 75840, MedGen C0410179, MONDO:0009681, OMIM 254090.
Bethlem myopathy 1A. Also called: Bethlem myopathy 1; Bethlem Muscular Dystrophy; MYOPATHY, BENIGN CONGENITAL, WITH CONTRACTURES. Identifiers: Orphanet 610, MedGen CN029274, MONDO:0024530, OMIM 158810.

Allele frequency attached by ClinVar (database versions not stated): gnomAD exomes 0.00005 and 0.00012; gnomAD 0.00009 and 0.00012; ExAC 0.00015; TOPMed 0.00019; ESP Exome Variant Server 0.00023.
gnomAD v4.1: 92 of 1,614,020 alleles (0.0057%); highest among the groups gnomAD compares: Middle Eastern, 0.049%; no homozygotes.

Submissions (6):

Labcorp Genetics (formerly Invitae), Labcorp
Classification: Likely benign for Bethlem myopathy 1A. Last evaluated: 2026-01-24. Review status: criteria provided, single submitter. Criteria: Invitae Variant Classification Sherloc (09022015). Collection method: clinical testing. Allele origin: germline.

GeneDx
Classification: Uncertain significance. Last evaluated: 2025-05-14. Review status: criteria provided, single submitter. Criteria: GeneDx Variant Classification Process June 2021. Collection method: clinical testing. Allele origin: germline. Affected: yes.
Comment: Reported previously as a heterozygous variant of uncertain significance in patients with limb-girdle muscular dystrophy in published literature; however, no further clinical information was provided (PMID: 30564623, 39548682); Reported previously in a patient from a cohort of idiopathic scoliosis cases (PMID: 26566670); In silico analysis suggests that this missense variant does not alter protein structure/function; This variant is associated with the following publications: (PMID: 39548682, 26566670, 30564623)

Revvity Omics, Revvity
Classification: Uncertain significance. Last evaluated: 2022-03-30. Review status: criteria provided, single submitter. Criteria: ACMG Guidelines, 2015. Collection method: clinical testing. Allele origin: germline.

CeGaT Center for Human Genetics Tuebingen
Classification: Uncertain significance. Last evaluated: 2021-06-01. Review status: criteria provided, single submitter. Criteria: CeGaT Center For Human Genetics Tuebingen Variant Classification Criteria Version 2. Collection method: clinical testing. Allele origin: germline. Affected: yes. Observed: 1 variant allele.

Fulgent Genetics
Classification: Uncertain significance for Bethlem myopathy 1A; Ullrich congenital muscular dystrophy 1A; Dystonia 27. Last evaluated: 2018-10-31. Review status: criteria provided, single submitter. Criteria: ACMG Guidelines, 2015. Collection method: clinical testing. Allele origin: unknown.

Eurofins Ntd Llc (ga)
Classification: Uncertain significance. Last evaluated: 2016-08-17. Review status: criteria provided, single submitter. Criteria: EGL Classification Definitions 2015. Collection method: clinical testing. Allele origin: germline. Observed: 1 variant allele, 1 heterozygote.

NM_004369.4(COL6A3):c.5825C>T (p.Pro1942Leu)

Gene: COL6A3 (collagen type VI alpha 3 chain; minus strand). Cytogenetic location: 2q37.3.
Variant type: single nucleotide variant.
Coding change: c.5825C>T on transcript NM_004369.4 (MANE Select); coding-DNA position 5825, C replaced by T.
Protein change: p.Pro1942Leu; replaces proline 1942 with leucine.
Molecular consequence: missense variant.
Genome position (GRCh38, 1-based): chr2:237,365,711, G>A on the plus strand (C>T on the coding strand, the complement: COL6A3 is on the minus strand). VCF-style: chr2-237365711-G-A. GRCh37 (hg19) VCF-style: chr2-238274354-G-A.
Other names: c.4004C>T, p.Pro1335Leu (NM_057166.5); c.5207C>T, p.Pro1736Leu (NM_057167.4); short protein forms P1942L, P1335L, P1736L.
Identifiers: ClinVar variation 289646 (VCV000289646.55), dbSNP rs150694150, ClinGen allele CA2188573.